The following is an entry in ClinVar:

NM_001458.5(FLNC):c.5482C>T (p.Pro1828Ser)

Genes: FLNC (filamin C; plus strand), FLNC-AS1 (FLNC antisense RNA 1; minus strand). Cytogenetic location: 7q32.1.
Variant type: single nucleotide variant.
Coding change: c.5482C>T on transcript NM_001458.5 (MANE Select); coding-DNA position 5482, C replaced by T.
Protein change: p.Pro1828Ser; replaces proline 1828 with serine.
Molecular consequence: missense variant.
Genome position (GRCh38, 1-based): chr7:128,850,886, C>T. VCF-style: chr7-128850886-C-T. GRCh37 (hg19) VCF-style: chr7-128490940-C-T.
Other names: c.5383C>T, p.Pro1795Ser (NM_001127487.2); short protein forms P1795S, P1828S.
Identifiers: ClinVar variation 3761335 (VCV003761335.2).

ClinVar aggregate classification (germline): Uncertain significance (1 of 4 stars; one submission).

Conditions:
Hypertrophic cardiomyopathy 26. Also called: Cardiomyopathy, familial hypertrophic, 26. Identifiers: Orphanet 75249, MedGen C4310749, MONDO:0014883, OMIM 617047.
Distal myopathy with posterior leg and anterior hand involvement. Also called: WILLIAMS DISTAL MYOPATHY. Identifiers: Orphanet 63273, MedGen C3279722, MONDO:0013550, OMIM 614065.
Myofibrillar myopathy 5. Also called: Filaminopathy (type); FILAMINOPATHY, AUTOSOMAL DOMINANT. Identifiers: Orphanet 171445, MedGen C1836050, MONDO:0012289, OMIM 609524.

gnomAD v4.1: 2 of 1,613,616 alleles (0.00012%); highest among the groups gnomAD compares: Admixed American, 0.0017%; no homozygotes.

Submission:

Labcorp Genetics (formerly Invitae), Labcorp
Classification: Uncertain significance for Distal myopathy with posterior leg and anterior hand involvement; Myofibrillar myopathy 5; Hypertrophic cardiomyopathy 26. Last evaluated: 2024-09-29. Review status: criteria provided, single submitter. Criteria: Invitae Variant Classification Sherloc (09022015). Collection method: clinical testing. Allele origin: germline.
Comment: This sequence change replaces proline, which is neutral and non-polar, with serine, which is neutral and polar, at codon 1828 of the FLNC protein (p.Pro1828Ser). This variant is present in population databases (rs780277309, gnomAD 0.003%). This variant has not been reported in the literature in individuals affected with FLNC-related conditions. Invitae Evidence Modeling of protein sequence and biophysical properties (such as structural, functional, and spatial information, amino acid conservation, physicochemical variation, residue mobility, and thermodynamic stability) has been performed for this missense variant. However, the output from this modeling did not meet the statistical confidence thresholds required to predict the impact of this variant on FLNC protein function. In summary, the available evidence is currently insufficient to determine the role of this variant in disease. Therefore, it has been classified as a Variant of Uncertain Significance.